The following is an entry in ClinVar:

NC_000016.9:g.(?_47495262)_(47614289_?)del

Gene: PHKB (phosphorylase kinase regulatory subunit beta; plus strand). Cytogenetic location: 16q12.1.
Variant type: Deletion.
Identifiers: ClinVar variation 3243380 (VCV003243380.1).

ClinVar aggregate classification (germline): Pathogenic (1 of 4 stars; one submission).

Conditions:
Glycogen storage disease IXb (GSD9B). Also called: GLYCOGENOSIS OF LIVER AND MUSCLE, AUTOSOMAL RECESSIVE; GSD IXb; PHOSPHORYLASE KINASE DEFICIENCY OF LIVER AND MUSCLE, AUTOSOMAL RECESSIVE. Identifiers: Orphanet 79240, MedGen C0543514, MONDO:0009868, OMIM 261750.

Submission:

Labcorp Genetics (formerly Invitae), Labcorp
Classification: Pathogenic for Glycogen storage disease IXb. Last evaluated: 2023-02-23. Review status: criteria provided, single submitter. Criteria: Invitae Variant Classification Sherloc (09022015). Collection method: clinical testing. Allele origin: unknown.
Comment: This variant is a gross deletion of the genomic region encompassing exon(s) 1-8 of the PHKB gene, which includes the initiator codon. This deletion extends beyond the assayed region for this gene and therefore may encompass additional genes. It is expected to result in an absent or disrupted protein product. Loss-of-function variants in PHKB are known to be pathogenic (PMID: 9215682, 9326319). This variant has not been reported in the literature in individuals affected with PHKB-related conditions. For these reasons, this variant has been classified as Pathogenic.

Literature cited by the submitters: PubMed 9215682; PubMed 9326319.